The following is an entry in ClinVar:

NM_000540.3(RYR1):c.9883G>A (p.Ala3295Thr)

Gene: RYR1 (ryanodine receptor 1; plus strand). Cytogenetic location: 19q13.2.
Variant type: single nucleotide variant.
Coding change: c.9883G>A on transcript NM_000540.3 (MANE Select); coding-DNA position 9883, G replaced by A.
Protein change: p.Ala3295Thr; replaces alanine 3295 with threonine.
Molecular consequence: missense variant.
Genome position (GRCh38, 1-based): chr19:38,517,556, G>A. VCF-style: chr19-38517556-G-A. GRCh37 (hg19) VCF-style: chr19-39008196-G-A.
Other names: c.9883G>A, p.Ala3295Thr (NM_001042723.2); short protein forms A3295T.
Identifiers: ClinVar variation 985943 (VCV000985943.11), dbSNP rs550627995, ClinGen allele CA074271.

ClinVar aggregate classification (germline): Uncertain significance. Review status: criteria provided, multiple submitters, no conflicts (2 of 4 stars). 4 submissions from 4 submitters: Uncertain significance (4). Last evaluated 2025-08-18.

Conditions:
Malignant hyperthermia, susceptibility to, 1 (MHS1). Also called: RYR1-Related Malignant Hyperthermia Susceptibility; Malignant hyperthermia suceptibility 1; Anesthesia related hyperthermia; Malignant hyperpyrexia; Fulminating hyperpyrexia; Pharmacogenic myopathy. Identifiers: Orphanet 423, MedGen C2930980, MONDO:0007783, OMIM 145600.
RYR1-related disorder. Also called: RYR1-related condition; RYR1-related disorders. Identifiers: MedGen CN239331.
Inborn genetic diseases. Identifiers: MedGen C0950123, MeSH D030342.

Allele frequency attached by ClinVar (database versions not stated): gnomAD exomes below 0.00001 and 0.00001; ExAC 0.00001.
gnomAD v4.1: 7 of 1,613,700 alleles (0.00043%); highest among the groups gnomAD compares: African/African-American, 0.0013%; no homozygotes.

Submissions (4):

Labcorp Genetics (formerly Invitae), Labcorp
Classification: Uncertain significance for RYR1-related disorder. Last evaluated: 2025-08-18. Review status: criteria provided, single submitter. Criteria: Invitae Variant Classification Sherloc (09022015). Collection method: clinical testing. Allele origin: germline.
Comment: This sequence change replaces alanine, which is neutral and non-polar, with threonine, which is neutral and polar, at codon 3295 of the RYR1 protein (p.Ala3295Thr). This variant is present in population databases (rs550627995, gnomAD 0.003%). This variant has not been reported in the literature in individuals affected with RYR1-related conditions. ClinVar contains an entry for this variant (Variation ID: 985943). Invitae Evidence Modeling of protein sequence and biophysical properties (such as structural, functional, and spatial information, amino acid conservation, physicochemical variation, residue mobility, and thermodynamic stability) indicates that this missense variant is not expected to disrupt RYR1 protein function with a negative predictive value of 95%. In summary, the available evidence is currently insufficient to determine the role of this variant in disease. Therefore, it has been classified as a Variant of Uncertain Significance.

All of Us Research Program, National Institutes of Health
Classification: Uncertain significance for Malignant hyperthermia, susceptibility to, 1. Last evaluated: 2024-03-24. Review status: criteria provided, single submitter. Criteria: ACMG Guidelines, 2015. Collection method: clinical testing. Allele origin: germline. Inheritance: Autosomal dominant inheritance. Observed: 3 variant alleles, 3 heterozygotes.
Comment: This missense variant replaces alanine with threonine at codon 3295 of the RYR1 protein. Computational prediction suggests that this variant may not impact protein structure and function (internally defined REVEL score threshold <= 0.5, PMID: 27666373). To our knowledge, functional studies have not been reported for this variant. This variant has not been reported in individuals affected with RYR1-related disorders in the literature. This variant has been identified in 2/247950 chromosomes in the general population by the Genome Aggregation Database (gnomAD). The available evidence is insufficient to determine the role of this variant in disease conclusively. Therefore, this variant is classified as a Variant of Uncertain Significance.

This study involves interpretation of variants in research participants for the purpose of population health screening. Participant phenotype was not available at the time of variant classification. Additional details can be found in publication PMID: 35346344, PMCID: PMC8962531

Color Diagnostics, LLC DBA Color Health
Classification: Uncertain significance for Malignant hyperthermia, susceptibility to, 1. Last evaluated: 2024-03-06. Review status: criteria provided, single submitter. Criteria: ACMG Guidelines, 2015. Collection method: clinical testing. Allele origin: germline.
Comment: This missense variant replaces alanine with threonine at codon 3295 of the RYR1 protein. Computational prediction suggests that this variant may not impact protein structure and function. To our knowledge, functional studies have not been reported for this variant. This variant has not been reported in individuals affected with RYR1-related disorders in the literature. This variant has been identified in 2/247950 chromosomes in the general population by the Genome Aggregation Database (gnomAD). The available evidence is insufficient to determine the role of this variant in disease conclusively. Therefore, this variant is classified as a Variant of Uncertain Significance.

Ambry Genetics
Classification: Uncertain significance for Inborn genetic diseases. Last evaluated: 2018-08-10. Review status: criteria provided, single submitter. Criteria: Ambry exome assertion method (8-5-2015). Collection method: clinical testing. Allele origin: germline. Affected: yes. Observed: 1 variant allele.